The following is an entry in ClinVar:

ClinVar aggregate classification (germline): Uncertain significance (1 of 4 stars; one submission).

Conditions:
Ataxia-telangiectasia syndrome (AT). Also called: AT, COMPLEMENTATION GROUP C; Ataxia-telangiectasia, complementation group D; ATAXIA-TELANGIECTASIA, COMPLEMENTATION GROUP A; ATAXIA-TELANGIECTASIA, FRESNO VARIANT; Ataxia-telangiectasia; Ataxia telangiectasia (A-T). Identifiers: Orphanet 100, MedGen C0004135, MONDO:0008840, OMIM 208900.

Submission:

Labcorp Genetics (formerly Invitae), Labcorp
Classification: Uncertain significance for Ataxia-telangiectasia syndrome. Last evaluated: 2023-12-27. Review status: criteria provided, single submitter. Criteria: Invitae Variant Classification Sherloc (09022015). Collection method: clinical testing. Allele origin: germline.
Comment: This sequence change replaces alanine, which is neutral and non-polar, with valine, which is neutral and non-polar, at codon 234 of the ATM protein (p.Ala234Val). This variant is not present in population databases (gnomAD no frequency). This variant has not been reported in the literature in individuals affected with ATM-related conditions. An algorithm developed to predict the effect of missense changes on protein structure and function (PolyPhen-2) suggests that this variant is likely to be tolerated. In summary, the available evidence is currently insufficient to determine the role of this variant in disease. Therefore, it has been classified as a Variant of Uncertain Significance.

NM_000051.4(ATM):c.701C>T (p.Ala234Val)

Gene: ATM (ATM serine/threonine kinase; plus strand). Cytogenetic location: 11q22.3.
Variant type: single nucleotide variant.
Coding change: c.701C>T on transcript NM_000051.4 (MANE Select); coding-DNA position 701, C replaced by T.
Protein change: p.Ala234Val; replaces alanine 234 with valine.
Molecular consequence: missense variant.
Genome position (GRCh38, 1-based): chr11:108,244,826, C>T. VCF-style: chr11-108244826-C-T. GRCh37 (hg19) VCF-style: chr11-108115553-C-T.
Other names: c.701C>T, p.Ala234Val (NM_001351834.2); short protein forms A234V.
Identifiers: ClinVar variation 2742111 (VCV002742111.3), dbSNP rs2135237953, ClinGen allele CA382529133.